The following is an entry in ClinVar:

NM_002439.5(MSH3):c.949G>A (p.Ala317Thr)

Genes: MSH3 (mutS homolog 3; plus strand), LOC126807437 (MED14-independent group 3 enhancer GRCh37_chr5:79968379-79969578; plus strand). Cytogenetic location: 5q14.1.
Variant type: single nucleotide variant.
Coding change: c.949G>A on transcript NM_002439.5 (MANE Select); coding-DNA position 949, G replaced by A.
Protein change: p.Ala317Thr; replaces alanine 317 with threonine.
Molecular consequence: missense variant.
Genome position (GRCh38, 1-based): chr5:80,672,780, G>A. VCF-style: chr5-80672780-G-A. GRCh37 (hg19) VCF-style: chr5-79968599-G-A.
Other names: short protein forms A317T.
Identifiers: ClinVar variation 3688037 (VCV003688037.2).

ClinVar aggregate classification (germline): Uncertain significance (1 of 4 stars; one submission).

Submission:

Labcorp Genetics (formerly Invitae), Labcorp
Classification: Uncertain significance. Last evaluated: 2024-12-15. Review status: criteria provided, single submitter. Criteria: Invitae Variant Classification Sherloc (09022015). Collection method: clinical testing. Allele origin: germline.
Comment: This sequence change replaces alanine, which is neutral and non-polar, with threonine, which is neutral and polar, at codon 317 of the MSH3 protein (p.Ala317Thr). This variant is not present in population databases (gnomAD no frequency). This variant has not been reported in the literature in individuals affected with MSH3-related conditions. An algorithm developed to predict the effect of missense changes on protein structure and function (PolyPhen-2) suggests that this variant is likely to be disruptive. In summary, the available evidence is currently insufficient to determine the role of this variant in disease. Therefore, it has been classified as a Variant of Uncertain Significance.